The following is an entry in ClinVar:

ClinVar aggregate classification (germline): Uncertain significance (1 of 4 stars; one submission).

Conditions:
Vici syndrome (VICIS). Identifiers: Orphanet 1493, MedGen C1855772, MONDO:0009452, OMIM 242840.

Allele frequency attached by ClinVar (database versions not stated): TOPMed below 0.00001; gnomAD exomes 0.00001.

Submission:

Labcorp Genetics (formerly Invitae), Labcorp
Classification: Uncertain significance for Vici syndrome. Last evaluated: 2022-08-13. Review status: criteria provided, single submitter. Criteria: Invitae Variant Classification Sherloc (09022015). Collection method: clinical testing. Allele origin: germline.
Comment: This sequence change replaces proline, which is neutral and non-polar, with serine, which is neutral and polar, at codon 1343 of the EPG5 protein (p.Pro1343Ser). This variant is not present in population databases (gnomAD no frequency). This variant has not been reported in the literature in individuals affected with EPG5-related conditions. Algorithms developed to predict the effect of missense changes on protein structure and function (SIFT, PolyPhen-2, Align-GVGD) all suggest that this variant is likely to be tolerated. In summary, the available evidence is currently insufficient to determine the role of this variant in disease. Therefore, it has been classified as a Variant of Uncertain Significance.

NM_020964.3(EPG5):c.4027C>T (p.Pro1343Ser)

Gene: EPG5 (ectopic P-granules 5 autophagy tethering factor; minus strand). Cytogenetic location: 18q21.1.
Variant type: single nucleotide variant.
Coding change: c.4027C>T on transcript NM_020964.3 (MANE Select); coding-DNA position 4027, C replaced by T.
Protein change: p.Pro1343Ser; replaces proline 1343 with serine.
Molecular consequence: missense variant.
Genome position (GRCh38, 1-based): chr18:45,910,699, G>A on the plus strand (C>T on the coding strand, the complement: EPG5 is on the minus strand). VCF-style: chr18-45910699-G-A. GRCh37 (hg19) VCF-style: chr18-43490664-G-A.
Other names: c.4027C>T, p.Pro1343Ser (NM_001410858.1, NM_001410859.1); short protein forms P1343S.
Identifiers: ClinVar variation 1948574 (VCV001948574.2), dbSNP rs2049872714, ClinGen allele CA402340233.